The following is an entry in ClinVar:

NM_000313.4(PROS1):c.239A>G (p.Tyr80Cys)

Gene: PROS1 (protein S; minus strand). Cytogenetic location: 3q11.1.
Variant type: single nucleotide variant.
Coding change: c.239A>G on transcript NM_000313.4 (MANE Select); coding-DNA position 239, A replaced by G.
Protein change: p.Tyr80Cys; replaces tyrosine 80 with cysteine.
Molecular consequence: missense variant.
Genome position (GRCh38, 1-based): chr3:93,924,260, T>C on the plus strand (A>G on the coding strand, the complement: PROS1 is on the minus strand). VCF-style: chr3-93924260-T-C. GRCh37 (hg19) VCF-style: chr3-93643104-T-C.
Other names: c.335A>G, p.Tyr112Cys (NM_001314077.2); short protein forms Y112C, Y80C.
Identifiers: ClinVar variation 4529455 (VCV004529455.1).

ClinVar aggregate classification (germline): Uncertain significance (0 of 4 stars; one submission).

Conditions:
Thrombophilia due to protein S deficiency, autosomal dominant (THPH5). Identifiers: Orphanet 26349, Orphanet 743, MedGen C3278211, MONDO:0012868, OMIM 612336. Disease mechanism: loss of function.

Submission:

Department of Transfusion Medicine and Hemostaseology, University Hospital Erlangen
Classification: Uncertain significance for Thrombophilia due to protein S deficiency, autosomal dominant. Last evaluated: 2025-09-01. Review status: no assertion criteria provided. Collection method: clinical testing. Allele origin: germline.
Comment: This variant was identified during a screening of patients with suspected hereditary Protein S deficiency. Currently, no literature is available describing this variant and it is not listed in any public population database. Several in silico variant effect prediction tools (PolyPhen-2, SIFT, AlphaMissense) classify this variant as likely pathogenic. Taken together we classified this variant as of uncertain significance.